The following is an entry in ClinVar:

NM_001035.3(RYR2):c.12091A>G (p.Thr4031Ala)

Gene: RYR2 (ryanodine receptor 2; plus strand). Cytogenetic location: 1q43.
Variant type: single nucleotide variant.
Coding change: c.12091A>G on transcript NM_001035.3 (MANE Select); coding-DNA position 12091, A replaced by G.
Protein change: p.Thr4031Ala; replaces threonine 4031 with alanine.
Molecular consequence: missense variant.
Genome position (GRCh38, 1-based): chr1:237,783,803, A>G. VCF-style: chr1-237783803-A-G. GRCh37 (hg19) VCF-style: chr1-237947103-A-G.
Other names: c.12091A>G, p.Thr4031Ala (LRG_402t1); short protein forms T4031A.
Identifiers: ClinVar variation 532339 (VCV000532339.26), dbSNP rs755148895, ClinGen allele CA085124.

ClinVar aggregate classification (germline): Conflicting classifications of pathogenicity. Review status: criteria provided, conflicting classifications (1 of 4 stars). 7 submissions from 7 submitters: Uncertain significance (6); Likely benign (1). Last evaluated 2025-12-20.

Conditions:
Catecholaminergic polymorphic ventricular tachycardia 1. Also called: VENTRICULAR TACHYCARDIA, CATECHOLAMINERGIC POLYMORPHIC, 1, WITH OR WITHOUT ATRIAL DYSFUNCTION AND/OR DILATED CARDIOMYOPATHY; RYR2-Related Catecholaminergic Polymorphic Ventricular Tachycardia; VENTRICULAR TACHYCARDIA, STRESS-INDUCED POLYMORPHIC 1. Identifiers: Orphanet 3286, MedGen C1631597, MONDO:0011484, OMIM 604772.
Ventricular arrhythmias due to cardiac ryanodine receptor calcium release deficiency syndrome. Also called: Autosomal dominant cardiac arrhythmia (Kuhn). Identifiers: MedGen C5542154, MONDO:0020745, OMIM 115000.
Arrhythmogenic right ventricular dysplasia 2. Identifiers: MedGen C1832931.
Catecholaminergic polymorphic ventricular tachycardia (CVPT). Also called: Catecholamine-induced polymorphic ventricular tachycardia. Identifiers: Orphanet 3286, MedGen C5574922, MONDO:0017990.
Cardiomyopathy (CMYO). Also called: Cardiomyopathies. Identifiers: Orphanet 167848, MedGen C0878544, MONDO:0004994, HP:0001638. Inheritance: Various modes of inheritance.
Cardiovascular phenotype. Identifiers: MedGen CN230736.

Allele frequency attached by ClinVar (database versions not stated): TOPMed 0.00001; gnomAD 0.00002; gnomAD exomes 0.00002; ExAC 0.00004.
gnomAD v4.1: 32 of 1,613,634 alleles (0.002%); highest among the groups gnomAD compares: Non-Finnish European, 0.0024%; no homozygotes.

Submissions (7):

Labcorp Genetics (formerly Invitae), Labcorp
Classification: Uncertain significance for Catecholaminergic polymorphic ventricular tachycardia 1. Last evaluated: 2025-12-20. Review status: criteria provided, single submitter. Criteria: Invitae Variant Classification Sherloc (09022015). Collection method: clinical testing. Allele origin: germline.
Comment: This sequence change replaces threonine, which is neutral and polar, with alanine, which is neutral and non-polar, at codon 4031 of the RYR2 protein (p.Thr4031Ala). This variant is present in population databases (rs755148895, gnomAD 0.006%). This variant has not been reported in the literature in individuals affected with RYR2-related conditions. ClinVar contains an entry for this variant (Variation ID: 532339). Invitae Evidence Modeling of protein sequence and biophysical properties (such as structural, functional, and spatial information, amino acid conservation, physicochemical variation, residue mobility, and thermodynamic stability) indicates that this missense variant is not expected to disrupt RYR2 protein function with a negative predictive value of 95%. In summary, the available evidence is currently insufficient to determine the role of this variant in disease. Therefore, it has been classified as a Variant of Uncertain Significance.

Women's Health and Genetics/Laboratory Corporation of America, LabCorp
Classification: Uncertain significance. Last evaluated: 2025-07-28. Review status: criteria provided, single submitter. Criteria: LabCorp Variant Classification Summary - May 2015. Collection method: clinical testing. Allele origin: germline.

Ambry Genetics
Classification: Likely benign for Cardiovascular phenotype. Last evaluated: 2024-06-04. Review status: criteria provided, single submitter. Criteria: Ambry Variant Classification Scheme 2023. Collection method: clinical testing. Allele origin: germline.

Color Diagnostics, LLC DBA Color Health
Classification: Uncertain significance for Cardiomyopathy. Last evaluated: 2024-03-06. Review status: criteria provided, single submitter. Criteria: ACMG Guidelines, 2015. Collection method: clinical testing. Allele origin: germline.
Comment: This missense variant replaces threonine with alanine at codon 4031 of the RYR2 protein. Computational prediction suggests that this variant may not impact protein structure and function (internally defined REVEL score threshold <= 0.5, PMID: 27666373). To our knowledge, functional studies have not been reported for this variant. This variant has not been reported in individuals affected with RYR2-related disorders in the literature. This variant has been identified in 7/279702 chromosomes in the general population by the Genome Aggregation Database (gnomAD). The available evidence is insufficient to determine the role of this variant in disease conclusively. Therefore, this variant is classified as a Variant of Uncertain Significance.

All of Us Research Program, National Institutes of Health
Classification: Uncertain significance for Catecholaminergic polymorphic ventricular tachycardia. Last evaluated: 2023-11-20. Review status: criteria provided, single submitter. Criteria: ACMG Guidelines, 2015. Collection method: clinical testing. Allele origin: germline. Inheritance: Autosomal dominant inheritance. Observed: 8 variant alleles, 8 heterozygotes.
Comment: This missense variant replaces threonine with alanine at codon 4031 of the RYR2 protein. Computational prediction suggests that this variant may not impact protein structure and function (internally defined REVEL score threshold <= 0.5, PMID: 27666373). To our knowledge, functional studies have not been reported for this variant. This variant has not been reported in individuals affected with RYR2-related disorders in the literature. This variant has been identified in 7/279702 chromosomes in the general population by the Genome Aggregation Database (gnomAD). The available evidence is insufficient to determine the role of this variant in disease conclusively. Therefore, this variant is classified as a Variant of Uncertain Significance.

This study involves interpretation of variants in research participants for the purpose of population health screening. Participant phenotype was not available at the time of variant classification. Additional details can be found in publication PMID: 35346344, PMCID: PMC8962531

Fulgent Genetics
Classification: Uncertain significance for Ventricular arrhythmias due to cardiac ryanodine receptor calcium release deficiency syndrome; Catecholaminergic polymorphic ventricular tachycardia 1. Last evaluated: 2021-09-21. Review status: criteria provided, single submitter. Criteria: ACMG Guidelines, 2015. Collection method: clinical testing. Allele origin: unknown.

Mayo Clinic Laboratories, Mayo Clinic
Classification: Uncertain significance. Last evaluated: 2020-04-21. Review status: criteria provided, single submitter. Criteria: ACMG Guidelines, 2015. Collection method: clinical testing. Allele origin: germline. Observed: 1 variant allele.